The following is an entry in ClinVar:

NM_019594.4(LRRC8A):c.1997G>A (p.Arg666His)

Gene: LRRC8A (leucine rich repeat containing 8 VRAC subunit A; plus strand). Cytogenetic location: 9q34.11.
Variant type: single nucleotide variant.
Coding change: c.1997G>A on transcript NM_019594.4 (MANE Select); coding-DNA position 1997, G replaced by A.
Protein change: p.Arg666His; replaces arginine 666 with histidine.
Molecular consequence: missense variant.
Genome position (GRCh38, 1-based): chr9:128,909,161, G>A. VCF-style: chr9-128909161-G-A. GRCh37 (hg19) VCF-style: chr9-131671440-G-A.
Other names: c.1997G>A, p.Arg666His (NM_001127244.2, NM_001127245.2); short protein forms R666H.
Identifiers: ClinVar variation 1163509 (VCV001163509.8), dbSNP rs1262085766, ClinGen allele CA375086018.
Genomic context (GRCh38, chr9:128,909,161, plus strand): 5'-TGTGGTACAACCACATCGCCTACATCCCCATCCAGATCGGCAACCTCACCAACCTGGAGC[G>A]CCTCTACCTGAACCGCAACAAGATCGAGAAGATCCCCACCCAGCTCTTCTACTGCCGCAA-3'
Protein context (NP_062540.2, residues 656-676): IQIGNLTNLE[Arg666His]LYLNRNKIEK

ClinVar aggregate classification (germline): Uncertain significance. Review status: criteria provided, multiple submitters, no conflicts (2 of 4 stars). 2 submissions from 2 submitters: Uncertain significance (2). Last evaluated 2023-10-06.

Allele frequency attached by ClinVar (database versions not stated): gnomAD exomes below 0.00001.
gnomAD v4.1: 6 of 1,614,100 alleles (0.00037%); highest among the groups gnomAD compares: East Asian, 0.0022%; no homozygotes.

Submissions (2):

Labcorp Genetics (formerly Invitae), Labcorp
Classification: Uncertain significance. Last evaluated: 2023-10-06. Review status: criteria provided, single submitter. Criteria: Invitae Variant Classification Sherloc (09022015). Collection method: clinical testing. Allele origin: germline.
Comment: This sequence change replaces arginine, which is basic and polar, with histidine, which is basic and polar, at codon 666 of the LRRC8A protein (p.Arg666His). This variant is present in population databases (no rsID available, gnomAD 0.006%). This variant has not been reported in the literature in individuals affected with LRRC8A-related conditions. ClinVar contains an entry for this variant (Variation ID: 1163509). An algorithm developed to predict the effect of missense changes on protein structure and function (PolyPhen-2) suggests that this variant is likely to be disruptive. In summary, the available evidence is currently insufficient to determine the role of this variant in disease. Therefore, it has been classified as a Variant of Uncertain Significance.

Mayo Clinic Laboratories, Mayo Clinic
Classification: Uncertain significance. Last evaluated: 2020-07-15. Review status: criteria provided, single submitter. Criteria: ACMG Guidelines, 2015. Collection method: clinical testing. Allele origin: germline. Observed: 1 variant allele.